The following is an entry in ClinVar:

NM_000719.7(CACNA1C):c.2436C>T (p.Asp812=)

Gene: CACNA1C (calcium voltage-gated channel subunit alpha1 C; plus strand). Cytogenetic location: 12p13.33.
Variant type: single nucleotide variant.
Coding change: c.2436C>T on transcript NM_000719.7 (MANE Select); coding-DNA position 2436, C replaced by T.
Protein change: p.Asp812=; no amino-acid change (aspartic acid 812 retained).
Molecular consequence: synonymous variant.
Genome position (GRCh38, 1-based): chr12:2,585,472, C>T. VCF-style: chr12-2585472-C-T. GRCh37 (hg19) VCF-style: chr12-2694638-C-T.
Other names: p.D812D:GAC>GAT; p.Asp812=; c.2436C>T, p.Asp812= (NM_001129827.2, NM_001129829.2, NM_001129830.3 and 18 more transcripts); c.2427C>T, p.Asp809= (NM_001129844.2); c.2436C>T (NM_199460.3).
Identifiers: ClinVar variation 93398 (VCV000093398.28), dbSNP rs215976, ClinGen allele CA285352.

ClinVar aggregate classification (germline): Benign/Likely benign. Review status: criteria provided, multiple submitters, no conflicts (2 of 4 stars). 10 submissions from 10 submitters: Benign (7); Likely benign (1). 2 of the submissions do not count toward it. Last evaluated 2026-02-04.

Conditions:
Long QT syndrome (LQTS). Identifiers: MedGen C0023976, MeSH D008133, MONDO:0002442. Disease mechanism: loss of function. Inheritance: Various modes of inheritance.
Cardiovascular phenotype. Identifiers: MedGen CN230736.

Allele frequency attached by ClinVar (database versions not stated): ESP Exome Variant Server 0.07914; gnomAD 0.08744 and 0.09281; TOPMed 0.08869; gnomAD exomes 0.09107 and 0.11137; 1000 Genomes Project 30x 0.13913; 1000 Genomes Project 0.14557; ExAC 0.16213.
gnomAD v4.1: 143,930 of 1,569,588 alleles (9.2%); highest among the groups gnomAD compares: East Asian, 31%; 8,146 homozygotes.

Submissions (10):

Labcorp Genetics (formerly Invitae), Labcorp
Classification: Benign for Long QT syndrome. Last evaluated: 2026-02-04. Review status: criteria provided, single submitter. Criteria: Invitae Variant Classification Sherloc (09022015). Collection method: clinical testing. Allele origin: germline.

Molecular Diagnostic Laboratory for Inherited Cardiovascular Disease, Montreal Heart Institute
Classification: Benign. Last evaluated: 2025-04-09. Review status: criteria provided, single submitter. Criteria: ACMG Guidelines, 2015. Collection method: clinical testing. Allele origin: germline. Affected: no.

Blueprint Genetics
Classification: Likely benign. Last evaluated: 2024-11-27. Review status: criteria provided, single submitter. Criteria: ACMG Guidelines, 2015. Collection method: clinical testing. Allele origin: germline.

Ambry Genetics
Classification: Benign for Cardiovascular phenotype. Last evaluated: 2015-06-23. Review status: criteria provided, single submitter. Criteria: Ambry Variant Classification Scheme 2023. Collection method: clinical testing. Allele origin: germline.

Mayo Clinic Laboratories, Mayo Clinic
Classification: Benign. Last evaluated: 2015-01-02. Review status: criteria provided, single submitter. Criteria: ACMG Guidelines, 2015. Collection method: clinical testing. Allele origin: germline. Observed: 179 variant alleles.

Eurofins Ntd Llc (ga)
Classification: Benign. Last evaluated: 2013-01-04. Review status: criteria provided, single submitter. Criteria: EGL Classification Definitions 2015. Collection method: clinical testing. Allele origin: germline. Observed: 5 variant alleles, 5 heterozygotes.

GeneDx
Classification: Benign. Last evaluated: 2011-07-10. Review status: criteria provided, single submitter. Criteria: GeneDx Variant Classification (06012015). Collection method: clinical testing. Allele origin: germline. Affected: yes.
Comment: This variant is considered likely benign or benign based on one or more of the following criteria: it is a conservative change, it occurs at a poorly conserved position in the protein, it is predicted to be benign by multiple in silico algorithms, and/or has population frequency not consistent with disease.

Breakthrough Genomics
Classification: Benign. Review status: criteria provided, single submitter. Criteria: ACMG Guidelines, 2015. Collection method: not provided. Allele origin: germline. Inheritance: Autosomal dominant inheritance. Affected: yes.

Clinical Genetics, Academic Medical Center
Classification: Benign. Review status: no assertion criteria provided. Collection method: clinical testing. Allele origin: germline. Affected: yes. Study: VKGL Data-share Consensus. Not counted in ClinVar's aggregate classification.

Joint Genome Diagnostic Labs from Nijmegen and Maastricht, Radboudumc and MUMC+
Classification: Benign. Review status: no assertion criteria provided. Collection method: clinical testing. Allele origin: germline. Affected: yes. Study: VKGL Data-share Consensus. Not counted in ClinVar's aggregate classification.